The following is an entry in ClinVar:

NM_006431.3(CCT2):c.259A>G (p.Met87Val)

Gene: CCT2 (chaperonin containing TCP1 subunit 2; plus strand). Cytogenetic location: 12q15.
Variant type: single nucleotide variant.
Coding change: c.259A>G on transcript NM_006431.3 (MANE Select); coding-DNA position 259, A replaced by G.
Protein change: p.Met87Val; replaces methionine 87 with valine.
Molecular consequence: missense variant.
Genome position (GRCh38, 1-based): chr12:69,587,932, A>G. VCF-style: chr12-69587932-A-G. GRCh37 (hg19) VCF-style: chr12-69981712-A-G.
Other names: c.118A>G, p.Met40Val (NM_001198842.2); short protein forms M40V, M87V.
Identifiers: ClinVar variation 1484272 (VCV001484272.8), dbSNP rs376204989, ClinGen allele CA6680524.

ClinVar aggregate classification (germline): Uncertain significance (1 of 4 stars; one submission).

Allele frequency attached by ClinVar (database versions not stated): gnomAD exomes 0.00001; ExAC 0.00002; gnomAD 0.00002 and 0.00004; TOPMed 0.00004; ESP Exome Variant Server 0.00008.
gnomAD v4.1: 64 of 1,609,404 alleles (0.004%); highest among the groups gnomAD compares: African/African-American, 0.013%; no homozygotes.

Submission:

Labcorp Genetics (formerly Invitae), Labcorp
Classification: Uncertain significance. Last evaluated: 2025-10-19. Review status: criteria provided, single submitter. Criteria: Invitae Variant Classification Sherloc (09022015). Collection method: clinical testing. Allele origin: germline.
Comment: This sequence change replaces methionine, which is neutral and non-polar, with valine, which is neutral and non-polar, at codon 87 of the CCT2 protein (p.Met87Val). This variant is present in population databases (rs376204989, gnomAD 0.01%). This variant has not been reported in the literature in individuals affected with CCT2-related conditions. ClinVar contains an entry for this variant (Variation ID: 1484272). An algorithm developed to predict the effect of missense changes on protein structure and function (PolyPhen-2) suggests that this variant is likely to be tolerated. In summary, the available evidence is currently insufficient to determine the role of this variant in disease. Therefore, it has been classified as a Variant of Uncertain Significance.